The following is an entry in ClinVar:

ClinVar aggregate classification (germline): Conflicting classifications of pathogenicity. Review status: criteria provided, conflicting classifications (1 of 4 stars). 7 submissions from 7 submitters: Uncertain significance (6); Likely benign (1). Last evaluated 2025-08-06.

Conditions:
Hereditary cancer-predisposing syndrome. Also called: Neoplastic Syndromes, Hereditary; Hereditary neoplastic syndrome; Tumor predisposition; Hereditary Cancer Syndrome. Identifiers: Orphanet 140162, MedGen C0027672, MeSH D009386, MONDO:0015356.
Familial adenomatous polyposis 2. Also called: COLORECTAL ADENOMATOUS POLYPOSIS, AUTOSOMAL RECESSIVE; MYH-associated polyposis; FAP type 2; MUTYH-related attenuated familial adenomatous polyposis; MUTYH-associated polyposis; MUTYH Polyposis. Identifiers: Orphanet 220460, Orphanet 247798, MedGen C3272841, MONDO:0012041, OMIM 608456.

Allele frequency attached by ClinVar (database versions not stated): gnomAD exomes 0.00001; ExAC 0.00001.
gnomAD v4.1: 3 of 1,613,794 alleles (0.00019%); highest among the groups gnomAD compares: Admixed American, 0.005%; no homozygotes.

Submissions (7):

Labcorp Genetics (formerly Invitae), Labcorp
Classification: Likely benign for Familial adenomatous polyposis 2. Last evaluated: 2025-08-06. Review status: criteria provided, single submitter. Criteria: Invitae Variant Classification Sherloc (09022015). Collection method: clinical testing. Allele origin: germline.

Quest Diagnostics Nichols Institute San Juan Capistrano
Classification: Uncertain significance. Last evaluated: 2025-04-14. Review status: criteria provided, single submitter. Criteria: Quest Diagnostics criteria. Collection method: clinical testing. Allele origin: unknown.
Comment: The MUTYH c.36+4C>G variant has not been reported in individuals with MUTYH-related conditions in the published literature. The frequency of this variant in the general population (Genome Aggregation Database) is uninformative in the assessment of its pathogenicity. Analysis of this variant using software algorithms for the prediction of the effect of nucleotide changes on splicing yielded predictions that this variant does not affect MUTYH mRNA splicing. Based on the available information, we are unable to determine the clinical significance of this variant.

Ambry Genetics
Classification: Uncertain significance for Hereditary cancer-predisposing syndrome. Last evaluated: 2024-09-04. Review status: criteria provided, single submitter. Criteria: Ambry Variant Classification Scheme 2023. Collection method: clinical testing. Allele origin: germline.
Comment: The c.36+4C>G intronic variant results from a C to G substitution 4 nucleotides after coding exon 1 in the MUTYH gene. This nucleotide position is not well conserved in available vertebrate species. In silico splice site analysis predicts that this alteration will not have any significant effect on splicing. Based on the available evidence, the clinical significance of this variant remains unclear.

Baylor Genetics
Classification: Uncertain significance for Familial adenomatous polyposis 2. Last evaluated: 2022-07-07. Review status: criteria provided, single submitter. Criteria: ACMG Guidelines, 2015. Collection method: clinical testing. Allele origin: unknown.

Women's Health and Genetics/Laboratory Corporation of America, LabCorp
Classification: Uncertain significance. Last evaluated: 2021-09-20. Review status: criteria provided, single submitter. Criteria: LabCorp Variant Classification Summary - May 2015. Collection method: clinical testing. Allele origin: germline.

GeneDx
Classification: Uncertain significance. Last evaluated: 2021-08-16. Review status: criteria provided, single submitter. Criteria: GeneDx Variant Classification Process June 2021. Collection method: clinical testing. Allele origin: germline. Affected: yes.
Comment: Not observed at significant frequency in large population cohorts (Lek 2016); Has not been previously published as pathogenic or benign to our knowledge; In-silico analysis, which includes splice predictors and evolutionary conservation, is inconclusive as to whether the variant alters gene splicing. In the absence of RNA/functional studies, the actual effect of this sequence change is unknown.

Color Diagnostics, LLC DBA Color Health
Classification: Uncertain significance for Hereditary cancer-predisposing syndrome. Last evaluated: 2021-02-17. Review status: criteria provided, single submitter. Criteria: ACMG Guidelines, 2015. Collection method: clinical testing. Allele origin: germline.
Comment: This variant causes a C to G nucleotide substitution at the +4 position of intron 1 of the MUTYH gene. To our knowledge, functional studies have not been reported for this variant. This variant has not been reported in individuals affected with hereditary cancer in the literature. This variant has been identified in 3/249368 chromosomes in the general population by the Genome Aggregation Database (gnomAD). The available evidence is insufficient to determine the role of this variant in disease conclusively. Therefore, this variant is classified as a Variant of Uncertain Significance.

NM_001128425.2(MUTYH):c.36+4C>G

Genes: MUTYH (mutY DNA glycosylase; minus strand), TOE1 (target of EGR1, exonuclease; plus strand). Cytogenetic location: 1p34.1.
Variant type: single nucleotide variant.
Coding change: c.36+4C>G on transcript NM_001128425.2 (MANE Plus Clinical); 4 bases into the intron after coding-DNA position 36, C replaced by G.
Molecular consequence: intron variant. On other transcripts: 5 prime UTR variant (3).
Genome position (GRCh38, 1-based): chr1:45,340,215, G>C on the plus strand (C>G on the coding strand, the complement: MUTYH is on the minus strand). VCF-style: chr1-45340215-G-C. GRCh37 (hg19) VCF-style: chr1-45805887-G-C.
Other names: c.-38G>C (NM_025077.4); c.-19C>G (NM_001407070.1, NM_001407071.1); c.-7+8C>G (NM_001407072.1); c.-214+4C>G (NM_001350651.2); c.-219+4C>G (NM_001293192.2); c.-278+4C>G (NM_001350650.2); c.36+4C>G (NM_001407073.1, NM_001293190.2, NM_001407069.1 and 1 more transcripts); c.-7+4C>G (NM_001048171.2).
Identifiers: ClinVar variation 246019 (VCV000246019.19), dbSNP rs774530388, ClinGen allele CA089489.
Genomic context (GRCh38, chr1:45,340,215, plus strand): 5'-GAGACCCCGCCCCATCCCCGACTGCCTGAACCGCGCCAGGAGACGGACCGCAAGTCCAGC[G>C]TACCCACAGACGACTCAGGCGGGAGACGAGCGGTGTCATGGCCGCCGACAGTGACGATGG-3'